The following is an entry in ClinVar:

ClinVar aggregate classification (germline): Uncertain significance (1 of 4 stars; one submission).

Conditions:
Dilated cardiomyopathy 1O (CMD1O). Also called: CARDIOMYOPATHY, DILATED, WITH VENTRICULAR TACHYCARDIA. Identifiers: Orphanet 154, MedGen C1837839, MONDO:0012062, OMIM 608569.

Submission:

Labcorp Genetics (formerly Invitae), Labcorp
Classification: Uncertain significance for Dilated cardiomyopathy 1O. Last evaluated: 2025-07-18. Review status: criteria provided, single submitter. Criteria: Invitae Variant Classification Sherloc (09022015). Collection method: clinical testing. Allele origin: germline.
Comment: This sequence change replaces glutamine, which is neutral and polar, with arginine, which is basic and polar, at codon 791 of the ABCC9 protein (p.Gln791Arg). This variant is not present in population databases (gnomAD no frequency). This variant has not been reported in the literature in individuals affected with ABCC9-related conditions. Invitae Evidence Modeling of protein sequence and biophysical properties (such as structural, functional, and spatial information, amino acid conservation, physicochemical variation, residue mobility, and thermodynamic stability) has been performed for this missense variant. However, the output from this modeling did not meet the statistical confidence thresholds required to predict the impact of this variant on ABCC9 protein function. In summary, the available evidence is currently insufficient to determine the role of this variant in disease. Therefore, it has been classified as a Variant of Uncertain Significance.

NM_020297.4(ABCC9):c.2372A>G (p.Gln791Arg)

Gene: ABCC9 (ATP binding cassette subfamily C member 9; minus strand). Cytogenetic location: 12p12.1.
Variant type: single nucleotide variant.
Coding change: c.2372A>G on transcript NM_020297.4 (MANE Select); coding-DNA position 2372, A replaced by G.
Protein change: p.Gln791Arg; replaces glutamine 791 with arginine.
Molecular consequence: missense variant.
Genome position (GRCh38, 1-based): chr12:21,861,023, T>C on the plus strand (A>G on the coding strand, the complement: ABCC9 is on the minus strand). VCF-style: chr12-21861023-T-C. GRCh37 (hg19) VCF-style: chr12-22013957-T-C.
Other names: c.2372A>G, p.Gln791Arg (NM_001377273.1, NM_005691.4); c.1505A>G, p.Gln502Arg (NM_001377274.1); short protein forms Q791R, Q502R.
Identifiers: ClinVar variation 4763656 (VCV004763656.1).